The following is an entry in ClinVar:

ClinVar aggregate classification (germline): Uncertain significance (1 of 4 stars; one submission).

gnomAD v4.1: 1 of 1,602,792 alleles (0.000062%); highest among the groups gnomAD compares: Non-Finnish European, 0.000085%; no homozygotes.

Submission:

Labcorp Genetics (formerly Invitae), Labcorp
Classification: Uncertain significance. Last evaluated: 2022-03-04. Review status: criteria provided, single submitter. Criteria: Invitae Variant Classification Sherloc (09022015). Collection method: clinical testing. Allele origin: germline.
Comment: In summary, the available evidence is currently insufficient to determine the role of this variant in disease. Therefore, it has been classified as a Variant of Uncertain Significance. This variant has not been reported in the literature in individuals affected with SLC18A3-related conditions. Algorithms developed to predict the effect of missense changes on protein structure and function (SIFT, PolyPhen-2, Align-GVGD) all suggest that this variant is likely to be tolerated. This variant is not present in population databases (gnomAD no frequency). This sequence change replaces methionine, which is neutral and non-polar, with leucine, which is neutral and non-polar, at codon 199 of the SLC18A3 protein (p.Met199Leu).

NM_003055.3(SLC18A3):c.595A>C (p.Met199Leu)

Genes: CHAT (choline O-acetyltransferase; plus strand), SLC18A3 (solute carrier family 18 member A3; plus strand). Cytogenetic location: 10q11.23.
Variant type: single nucleotide variant.
Coding change: c.595A>C on transcript NM_003055.3 (MANE Select); coding-DNA position 595, A replaced by C.
Protein change: p.Met199Leu; replaces methionine 199 with leucine.
Molecular consequence: missense variant. On other transcripts: intron variant (1).
Genome position (GRCh38, 1-based): chr10:49,611,335, A>C. VCF-style: chr10-49611335-A-C. GRCh37 (hg19) VCF-style: chr10-50819381-A-C.
Other names: c.-69+2136A>C (NM_020984.4); short protein forms M199L.
Identifiers: ClinVar variation 1491532 (VCV001491532.8), dbSNP rs1446897176, ClinGen allele CA376719596.